The following is an entry in ClinVar:

NM_000369.5(TSHR):c.545+5G>T

Genes: TSHR (thyroid stimulating hormone receptor; plus strand), TSHR-AS1 (TSHR antisense RNA 1; minus strand). Cytogenetic location: 14q31.1.
Variant type: single nucleotide variant.
Coding change: c.545+5G>T on transcript NM_000369.5 (MANE Select); 5 bases into the intron after coding-DNA position 545, G replaced by T.
Molecular consequence: intron variant.
Genome position (GRCh38, 1-based): chr14:81,092,613, G>T. VCF-style: chr14-81092613-G-T. GRCh37 (hg19) VCF-style: chr14-81558957-G-T.
Other names: c.545+5G>T (NM_001142626.3, NM_001018036.3).
Identifiers: ClinVar variation 917858 (VCV000917858.2), dbSNP rs1888838395, ClinGen allele CA1139663605.
Genomic context (GRCh38, chr14:81,092,613, plus strand): 5'-ATGACGTCAATCCCTGTGAATGCTTTTCAGGGACTATGCAATGAAACCTTGACACTGTGA[G>T]TATTACCAGTTCTACTCCCTCCATCAACTAAATTCTATTTTGAGCCATTTTCATATGTTT-3'

ClinVar aggregate classification (germline): Pathogenic (0 of 4 stars; one submission).

Conditions:
Hypothyroidism due to TSH receptor mutations. Also called: Hypothyroidism, congenital, nongoitrous, 1; HYPOTHYROIDISM DUE TO UNRESPONSIVENESS TO THYROTROPIN; HYPOTHYROIDISM, CONGENITAL, DUE TO TSH RESISTANCE; HYPOTHYROIDISM, NONAUTOIMMUNE; THYROID-STIMULATING HORMONE, RESISTANCE TO; TSH RESISTANCE. Identifiers: Orphanet 90673, MedGen C3493776, MONDO:0010142, OMIM 275200.

Submission:

Department of Pediatrics, Division of Medical Genetics, Faculty of Medicine Ramathibodi Hospital, Mahidol University
Classification: Pathogenic for Hypothyroidism due to TSH receptor mutations. Last evaluated: 2020-05-14. Review status: no assertion criteria provided. Collection method: research. Allele origin: germline. Inheritance: Autosomal recessive inheritance. Affected: yes.